The following is an entry in ClinVar:

NM_199242.3(UNC13D):c.2554-4C>T

Gene: UNC13D (unc-13 homolog D; minus strand). Cytogenetic location: 17q25.1.
Variant type: single nucleotide variant.
Coding change: c.2554-4C>T on transcript NM_199242.3 (MANE Select); 4 bases into the intron before coding-DNA position 2554, C replaced by T.
Molecular consequence: intron variant.
Genome position (GRCh38, 1-based): chr17:75,831,173, G>A on the plus strand (C>T on the coding strand, the complement: UNC13D is on the minus strand). VCF-style: chr17-75831173-G-A. GRCh37 (hg19) VCF-style: chr17-73827254-G-A.
Identifiers: ClinVar variation 3030664 (VCV003030664.2), dbSNP rs2545977664, ClinGen allele CA2576398139.

ClinVar aggregate classification (germline): Likely benign (0 of 4 stars; one submission).

Conditions:
UNC13D-related disorder. Also called: UNC13D-related condition.

Allele frequency attached by ClinVar (database versions not stated): gnomAD exomes 0.00001.
gnomAD v4.1: 5 of 1,614,068 alleles (0.00031%); highest among the groups gnomAD compares: Non-Finnish European, 0.00042%; no homozygotes.

Submission:

PreventionGenetics, part of Exact Sciences
Classification: Likely benign for UNC13D-related condition. Last evaluated: 2021-01-22. Review status: no assertion criteria provided. Collection method: clinical testing. Allele origin: germline.
Comment: This variant is classified as likely benign based on ACMG/AMP sequence variant interpretation guidelines (Richards et al. 2015 PMID: 25741868, with internal and published modifications).